The following is an entry in ClinVar:

ClinVar aggregate classification (germline): Uncertain significance (1 of 4 stars; one submission).

Conditions:
Generalized epilepsy-paroxysmal dyskinesia syndrome (PNKD3). Also called: Generalized epilepsy and paroxysmal dyskinesia; Paroxysmal nonkinesigenic dyskinesia, 3, with or without generalized epilepsy. Identifiers: Orphanet 79137, MedGen C5574945, MONDO:0012276, OMIM 609446.

Submission:

Labcorp Genetics (formerly Invitae), Labcorp
Classification: Uncertain significance for Generalized epilepsy-paroxysmal dyskinesia syndrome. Last evaluated: 2024-09-03. Review status: criteria provided, single submitter. Criteria: Invitae Variant Classification Sherloc (09022015). Collection method: clinical testing. Allele origin: germline.
Comment: This sequence change replaces alanine, which is neutral and non-polar, with valine, which is neutral and non-polar, at codon 153 of the KCNMA1 protein (p.Ala153Val). This variant is not present in population databases (gnomAD no frequency). This variant has not been reported in the literature in individuals affected with KCNMA1-related conditions. Invitae Evidence Modeling of protein sequence and biophysical properties (such as structural, functional, and spatial information, amino acid conservation, physicochemical variation, residue mobility, and thermodynamic stability) indicates that this missense variant is not expected to disrupt KCNMA1 protein function with a negative predictive value of 80%. In summary, the available evidence is currently insufficient to determine the role of this variant in disease. Therefore, it has been classified as a Variant of Uncertain Significance.

NM_001161352.2(KCNMA1):c.458C>T (p.Ala153Val)

Gene: KCNMA1 (potassium calcium-activated channel subfamily M alpha 1; minus strand). Cytogenetic location: 10q22.3.
Variant type: single nucleotide variant.
Coding change: c.458C>T on transcript NM_001161352.2 (MANE Select); coding-DNA position 458, C replaced by T.
Protein change: p.Ala153Val; replaces alanine 153 with valine.
Molecular consequence: missense variant. On other transcripts: intron variant (1).
Genome position (GRCh38, 1-based): chr10:77,403,944, G>A on the plus strand (C>T on the coding strand, the complement: KCNMA1 is on the minus strand). VCF-style: chr10-77403944-G-A. GRCh37 (hg19) VCF-style: chr10-79163702-G-A.
Other names: c.458C>T, p.Ala153Val (NM_001014797.3, NM_001161353.2, NM_001271519.2 and 8 more transcripts); c.379-152688C>T (NM_001271518.2); short protein forms A153V.
Identifiers: ClinVar variation 2899512 (VCV002899512.3), dbSNP rs2552212791, ClinGen allele CA377411094.